The following is an entry in ClinVar:

NM_000553.6(WRN):c.1921G>A (p.Val641Ile)

Gene: WRN (WRN RecQ like helicase; plus strand). Cytogenetic location: 8p12.
Variant type: single nucleotide variant.
Coding change: c.1921G>A on transcript NM_000553.6 (MANE Select); coding-DNA position 1921, G replaced by A.
Protein change: p.Val641Ile; replaces valine 641 with isoleucine.
Molecular consequence: missense variant.
Genome position (GRCh38, 1-based): chr8:31,096,790, G>A. VCF-style: chr8-31096790-G-A. GRCh37 (hg19) VCF-style: chr8-30954306-G-A.
Other names: short protein forms V641I.
Identifiers: ClinVar variation 576010 (VCV000576010.6), dbSNP rs572026265, ClinGen allele CA4704568.
Genomic context (GRCh38, chr8:31,096,790, plus strand): 5'-TTTTTTTTTTTTCTTTTTTCTTTTGTTTGTTTTTACAGAGGTAAATACCGGATTGTATAC[G>A]TAACTCCAGAATACTGTTCAGGTAACATGGGCCTGCTCCAGCAACTTGAGGCTGATATTG-3'
Protein context (NP_000544.2, residues 631-651): IKLGKYRIVY[Val641Ile]TPEYCSGNMG

ClinVar aggregate classification (germline): Uncertain significance (1 of 4 stars; one submission).

Conditions:
Werner syndrome (WRN). Identifiers: Orphanet 902, MedGen C0043119, MONDO:0010196, OMIM 277700.

Allele frequency attached by ClinVar (database versions not stated): gnomAD 0.00001; ExAC 0.00002; 1000 Genomes Project 30x 0.00016; 1000 Genomes Project 0.00020.
gnomAD v4.1: 14 of 1,608,394 alleles (0.00087%); highest among the groups gnomAD compares: Admixed American, 0.0034%; no homozygotes.

Submission:

Labcorp Genetics (formerly Invitae), Labcorp
Classification: Uncertain significance for Werner syndrome. Last evaluated: 2022-10-17. Review status: criteria provided, single submitter. Criteria: Invitae Variant Classification Sherloc (09022015). Collection method: clinical testing. Allele origin: germline.
Comment: This sequence change replaces valine, which is neutral and non-polar, with isoleucine, which is neutral and non-polar, at codon 641 of the WRN protein (p.Val641Ile). This variant is present in population databases (rs572026265, gnomAD 0.006%). This variant has not been reported in the literature in individuals affected with WRN-related conditions. ClinVar contains an entry for this variant (Variation ID: 576010). Algorithms developed to predict the effect of missense changes on protein structure and function output the following: SIFT: "Not Available"; PolyPhen-2: "Benign"; Align-GVGD: "Not Available". The isoleucine amino acid residue is found in multiple mammalian species, which suggests that this missense change does not adversely affect protein function. In summary, the available evidence is currently insufficient to determine the role of this variant in disease. Therefore, it has been classified as a Variant of Uncertain Significance.